The following is an entry in ClinVar:

NM_000136.3(FANCC):c.700C>G (p.Leu234Val)

Genes: FANCC (FA complementation group C; minus strand), AOPEP (aminopeptidase O (putative); plus strand). Cytogenetic location: 9q22.32.
Variant type: single nucleotide variant.
Coding change: c.700C>G on transcript NM_000136.3 (MANE Select); coding-DNA position 700, C replaced by G.
Protein change: p.Leu234Val; replaces leucine 234 with valine.
Molecular consequence: missense variant.
Genome position (GRCh38, 1-based): chr9:95,135,489, G>C on the plus strand (C>G on the coding strand, the complement: FANCC is on the minus strand). VCF-style: chr9-95135489-G-C. GRCh37 (hg19) VCF-style: chr9-97897771-G-C.
Other names: c.700C>G, p.Leu234Val (NM_001243743.2, NM_001243744.2); short protein forms L234V.
Identifiers: ClinVar variation 912565 (VCV000912565.13), dbSNP rs1827537458, ClinGen allele CA374109467.

ClinVar aggregate classification (germline): Uncertain significance. Review status: criteria provided, multiple submitters, no conflicts (2 of 4 stars). 3 submissions from 3 submitters: Uncertain significance (3). Last evaluated 2021-08-06.

Conditions:
Fanconi anemia complementation group C (FANCC). Also called: FANCONI PANCYTOPENIA, TYPE 3; FACC; FANCC-Related Fanconi Anemia; Fanconi anemia, group C. Identifiers: Orphanet 84, MedGen C3468041, MONDO:0009213, OMIM 227645.
Hereditary cancer-predisposing syndrome. Also called: Tumor predisposition; Hereditary Cancer Syndrome; Neoplastic Syndromes, Hereditary; Hereditary neoplastic syndrome. Identifiers: Orphanet 140162, MedGen C0027672, MeSH D009386, MONDO:0015356.
Fanconi anemia (FA). Also called: Fanconi's anemia. Identifiers: Orphanet 84, MedGen C0015625, MeSH D005199, MONDO:0019391.

Allele frequency attached by ClinVar (database versions not stated): gnomAD exomes below 0.00001.
gnomAD v4.1: 1 of 1,613,958 alleles (0.000062%); highest among the groups gnomAD compares: Non-Finnish European, 0.000085%; no homozygotes.

Submissions (3):

Ambry Genetics
Classification: Uncertain significance for Hereditary cancer-predisposing syndrome. Last evaluated: 2021-08-06. Review status: criteria provided, single submitter. Criteria: Ambry Variant Classification Scheme 2023. Collection method: clinical testing. Allele origin: germline.
Comment: The p.L234V variant (also known as c.700C>G), located in coding exon 7 of the FANCC gene, results from a C to G substitution at nucleotide position 700. The leucine at codon 234 is replaced by valine, an amino acid with highly similar properties. This amino acid position is conserved. In addition, the in silico prediction for this alteration is inconclusive. Since supporting evidence is limited at this time, the clinical significance of this alteration remains unclear.

Labcorp Genetics (formerly Invitae), Labcorp
Classification: Uncertain significance for Fanconi anemia. Last evaluated: 2021-04-23. Review status: criteria provided, single submitter. Criteria: Invitae Variant Classification Sherloc (09022015). Collection method: clinical testing. Allele origin: germline.
Comment: Algorithms developed to predict the effect of missense changes on protein structure and function are either unavailable or do not agree on the potential impact of this missense change (SIFT: "Deleterious"; PolyPhen-2: "Probably Damaging"; Align-GVGD: "Class C0"). In summary, the available evidence is currently insufficient to determine the role of this variant in disease. Therefore, it has been classified as a Variant of Uncertain Significance. This variant has not been reported in the literature in individuals with FANCC-related conditions. ClinVar contains an entry for this variant (Variation ID: 912565). This variant is not present in population databases (ExAC no frequency). This sequence change replaces leucine with valine at codon 234 of the FANCC protein (p.Leu234Val). The leucine residue is highly conserved and there is a small physicochemical difference between leucine and valine.

Illumina Laboratory Services, Illumina
Classification: Uncertain significance for Fanconi anemia complementation group C. Last evaluated: 2017-04-27. Review status: criteria provided, single submitter. Criteria: ICSL Variant Classification Criteria 13 December 2019. Collection method: clinical testing. Allele origin: germline.